The following is an entry in ClinVar:

NM_001025356.3(ANO6):c.174C>G (p.Asp58Glu)

Gene: ANO6 (anoctamin 6; plus strand). Cytogenetic location: 12q12.
Variant type: single nucleotide variant.
Coding change: c.174C>G on transcript NM_001025356.3 (MANE Select); coding-DNA position 174, C replaced by G.
Protein change: p.Asp58Glu; replaces aspartic acid 58 with glutamic acid.
Molecular consequence: missense variant.
Genome position (GRCh38, 1-based): chr12:45,331,318, C>G. VCF-style: chr12-45331318-C-G. GRCh37 (hg19) VCF-style: chr12-45725101-C-G.
Other names: c.120C>G, p.Asp40Glu (NM_001142678.2); c.174C>G, p.Asp58Glu (NM_001142679.2); c.237C>G, p.Asp79Glu (NM_001204803.2); c.141C>G, p.Asp47Glu (NM_001410973.1); short protein forms D58E, D40E, D79E, D47E.
Identifiers: ClinVar variation 2072800 (VCV002072800.4), dbSNP rs2547450729, ClinGen allele CA384456811.

ClinVar aggregate classification (germline): Uncertain significance (1 of 4 stars; one submission).

gnomAD v4.1: 1 of 1,609,428 alleles (0.000062%); highest among the groups gnomAD compares: Non-Finnish European, 0.000085%; no homozygotes.

Submission:

Labcorp Genetics (formerly Invitae), Labcorp
Classification: Uncertain significance. Last evaluated: 2025-02-10. Review status: criteria provided, single submitter. Criteria: Invitae Variant Classification Sherloc (09022015). Collection method: clinical testing. Allele origin: germline.
Comment: This sequence change replaces aspartic acid, which is acidic and polar, with glutamic acid, which is acidic and polar, at codon 58 of the ANO6 protein (p.Asp58Glu). This variant is not present in population databases (gnomAD no frequency). This variant has not been reported in the literature in individuals affected with ANO6-related conditions. ClinVar contains an entry for this variant (Variation ID: 2072800). Invitae Evidence Modeling of protein sequence and biophysical properties (such as structural, functional, and spatial information, amino acid conservation, physicochemical variation, residue mobility, and thermodynamic stability) indicates that this missense variant is not expected to disrupt ANO6 protein function with a negative predictive value of 95%. In summary, the available evidence is currently insufficient to determine the role of this variant in disease. Therefore, it has been classified as a Variant of Uncertain Significance.